The following is an entry in ClinVar:

ClinVar aggregate classification (germline): Likely benign. Review status: criteria provided, multiple submitters, no conflicts (2 of 4 stars). 6 submissions from 6 submitters: Likely benign (6). Last evaluated 2025-10-06.

Conditions:
Familial thoracic aortic aneurysm and aortic dissection (TAAD). Also called: Thoracic aortic aneurysms and dissections. Identifiers: Orphanet 91387, MedGen C4707243, MONDO:0019625.
Aortic aneurysm, familial thoracic 7 (AAT7). Also called: AORTIC DISSECTION, FAMILIAL, WITH OR WITHOUT AORTIC ANEURYSM. Identifiers: MedGen C3151077, MONDO:0013418, OMIM 613780.

Allele frequency attached by ClinVar (database versions not stated): ExAC 0.00006; gnomAD exomes 0.00008; ESP Exome Variant Server 0.00015; gnomAD 0.00015 and 0.00017; TOPMed 0.00017.
gnomAD v4.1: 106 of 1,613,862 alleles (0.0066%); highest among the groups gnomAD compares: Middle Eastern, 0.033%; no homozygotes.

Submissions (6):

Labcorp Genetics (formerly Invitae), Labcorp
Classification: Likely benign for Aortic aneurysm, familial thoracic 7. Last evaluated: 2025-10-06. Review status: criteria provided, single submitter. Criteria: Invitae Variant Classification Sherloc (09022015). Collection method: clinical testing. Allele origin: germline.

Blueprint Genetics
Classification: Likely benign. Last evaluated: 2024-10-17. Review status: criteria provided, single submitter. Criteria: ACMG Guidelines, 2015. Collection method: clinical testing. Allele origin: germline.

Ambry Genetics
Classification: Likely benign for Familial thoracic aortic aneurysm and aortic dissection. Last evaluated: 2022-08-07. Review status: criteria provided, single submitter. Criteria: Ambry Variant Classification Scheme 2023. Collection method: clinical testing. Allele origin: germline.

CeGaT Center for Human Genetics Tuebingen
Classification: Likely benign. Last evaluated: 2022-07-01. Review status: criteria provided, single submitter. Criteria: CeGaT Center For Human Genetics Tuebingen Variant Classification Criteria Version 2. Collection method: clinical testing. Allele origin: germline. Affected: yes. Observed: 1 variant allele.
Comment: MYLK: BP4, BP7

GeneDx
Classification: Likely benign. Last evaluated: 2021-03-17. Review status: criteria provided, single submitter. Criteria: GeneDx Variant Classification Process June 2021. Collection method: clinical testing. Allele origin: germline. Affected: yes.

ARUP Laboratories, Molecular Genetics and Genomics, ARUP Laboratories
Classification: Likely benign. Last evaluated: 2017-11-13. Review status: criteria provided, single submitter. Criteria: ARUP Molecular Germline Variant Investigation Process. Collection method: clinical testing. Allele origin: germline.
Comment: The c.3981C>T variant (rs373556266) does not alter the MYLK protein sequence and computational splice site prediction algorithms do not predict a change in the nearest splice site or creation of a cryptic splice site (Alamut software v2.7.1). This variant has not been reported in patients with aortopathy in medical literature or in gene specific variation databases. the c.3981C>T variant is listed in the ExAC Browser with an overall population frequency of 0.006 percent (7 out of 121112 chromosomes) and is listed in the NHLBI GO Exome Sequencing Project with an overall population frequency of 0.02 percent (2 out of 13006 chromosomes). Thus, the c.3981C>T variant is likely to be benign.

NM_053025.4(MYLK):c.3981C>T (p.Val1327=)

Gene: MYLK (myosin light chain kinase; minus strand). Cytogenetic location: 3q21.1.
Variant type: single nucleotide variant.
Coding change: c.3981C>T on transcript NM_053025.4 (MANE Select); coding-DNA position 3981, C replaced by T.
Protein change: p.Val1327=; no amino-acid change (valine 1327 retained).
Molecular consequence: synonymous variant.
Genome position (GRCh38, 1-based): chr3:123,664,109, G>A on the plus strand (C>T on the coding strand, the complement: MYLK is on the minus strand). VCF-style: chr3-123664109-G-A. GRCh37 (hg19) VCF-style: chr3-123382956-G-A.
Other names: c.3453C>T, p.Val1151= (NM_001321309.2); c.3774C>T, p.Val1258= (NM_053026.4, NM_053028.4); c.3981C>T, p.Val1327= (NM_053027.4).
Identifiers: ClinVar variation 618743 (VCV000618743.47), dbSNP rs373556266, ClinGen allele CA070626.